The following is an entry in ClinVar:

NM_006118.4(HAX1):c.41C>T (p.Pro14Leu)

Gene: HAX1 (HCLS1 associated protein X-1; plus strand). Cytogenetic location: 1q21.3.
Variant type: single nucleotide variant.
Coding change: c.41C>T on transcript NM_006118.4 (MANE Select); coding-DNA position 41, C replaced by T.
Protein change: p.Pro14Leu; replaces proline 14 with leucine.
Molecular consequence: missense variant.
Genome position (GRCh38, 1-based): chr1:154,272,764, C>T. VCF-style: chr1-154272764-C-T. GRCh37 (hg19) VCF-style: chr1-154245240-C-T.
Other names: c.41C>T, p.Pro14Leu (NM_001018837.2); short protein forms P14L.
Identifiers: ClinVar variation 3856892 (VCV003856892.1).

ClinVar aggregate classification (germline): Uncertain significance (1 of 4 stars; one submission).

Conditions:
Inborn genetic diseases. Identifiers: MedGen C0950123, MeSH D030342.

gnomAD v4.1: 1 of 1,614,180 alleles (0.000062%); highest among the groups gnomAD compares: Non-Finnish European, 0.000085%; no homozygotes.

Submission:

Ambry Genetics
Classification: Uncertain significance for Inborn genetic diseases. Last evaluated: 2025-02-21. Review status: criteria provided, single submitter. Criteria: Ambry Variant Classification Scheme 2023. Collection method: clinical testing. Allele origin: germline.
Comment: The p.P14L variant (also known as c.41C>T), located in coding exon 1 of the HAX1 gene, results from a C to T substitution at nucleotide position 41. The proline at codon 14 is replaced by leucine, an amino acid with similar properties. This amino acid position is conserved. In addition, this alteration is predicted to be tolerated by in silico analysis. Based on the available evidence, the clinical significance of this variant remains unclear.